The following is an entry in ClinVar:

ClinVar aggregate classification (germline): Uncertain significance (1 of 4 stars; one submission).

Allele frequency attached by ClinVar (database versions not stated): TOPMed below 0.00001; ExAC 0.00001; gnomAD exomes 0.00002.
gnomAD v4.1: 26 of 1,605,126 alleles (0.0016%); highest among the groups gnomAD compares: Non-Finnish European, 0.0022%; no homozygotes.

Submission:

Labcorp Genetics (formerly Invitae), Labcorp
Classification: Uncertain significance. Last evaluated: 2023-02-09. Review status: criteria provided, single submitter. Criteria: Invitae Variant Classification Sherloc (09022015). Collection method: clinical testing. Allele origin: germline.
Comment: In summary, the available evidence is currently insufficient to determine the role of this variant in disease. Therefore, it has been classified as a Variant of Uncertain Significance. Algorithms developed to predict the effect of missense changes on protein structure and function (SIFT, PolyPhen-2, Align-GVGD) all suggest that this variant is likely to be disruptive. This variant has not been reported in the literature in individuals affected with LRRC8A-related conditions. This variant is present in population databases (rs769948961, gnomAD 0.0009%). This sequence change replaces leucine, which is neutral and non-polar, with valine, which is neutral and non-polar, at codon 723 of the LRRC8A protein (p.Leu723Val).

NM_019594.4(LRRC8A):c.2167C>G (p.Leu723Val)

Gene: LRRC8A (leucine rich repeat containing 8 VRAC subunit A; plus strand). Cytogenetic location: 9q34.11.
Variant type: single nucleotide variant.
Coding change: c.2167C>G on transcript NM_019594.4 (MANE Select); coding-DNA position 2167, C replaced by G.
Protein change: p.Leu723Val; replaces leucine 723 with valine.
Molecular consequence: missense variant.
Genome position (GRCh38, 1-based): chr9:128,916,105, C>G. VCF-style: chr9-128916105-C-G. GRCh37 (hg19) VCF-style: chr9-131678384-C-G.
Other names: c.2167C>G, p.Leu723Val (NM_001127244.2, NM_001127245.2); short protein forms L723V.
Identifiers: ClinVar variation 2790476 (VCV002790476.3), dbSNP rs769948961, ClinGen allele CA5271031.